The following is an entry in ClinVar:

ClinVar aggregate classification (germline): Uncertain significance (1 of 4 stars; one submission).

gnomAD v4.1: 5 of 1,559,558 alleles (0.00032%); highest among the groups gnomAD compares: Admixed American, 0.0039%; no homozygotes.

Submission:

Labcorp Genetics (formerly Invitae), Labcorp
Classification: Uncertain significance. Last evaluated: 2022-08-21. Review status: criteria provided, single submitter. Criteria: Invitae Variant Classification Sherloc (09022015). Collection method: clinical testing. Allele origin: germline.
Comment: Algorithms developed to predict the effect of sequence changes on RNA splicing suggest that this variant may disrupt the consensus splice site. In summary, the available evidence is currently insufficient to determine the role of this variant in disease. Therefore, it has been classified as a Variant of Uncertain Significance. Algorithms developed to predict the effect of missense changes on protein structure and function are either unavailable or do not agree on the potential impact of this missense change (SIFT: "Deleterious"; PolyPhen-2: "Probably Damaging"; Align-GVGD: "Class C0"). This variant has not been reported in the literature in individuals affected with PLEKHM2-related conditions. The frequency data for this variant in the population databases is considered unreliable, as metrics indicate poor data quality at this position in the gnomAD database. This sequence change replaces arginine, which is basic and polar, with histidine, which is basic and polar, at codon 92 of the PLEKHM2 protein (p.Arg92His).

NM_015164.4(PLEKHM2):c.275G>A (p.Arg92His)

Gene: PLEKHM2 (pleckstrin homology and RUN domain containing M2; plus strand). Cytogenetic location: 1p36.21.
Variant type: single nucleotide variant.
Coding change: c.275G>A on transcript NM_015164.4 (MANE Select); coding-DNA position 275, G replaced by A.
Protein change: p.Arg92His; replaces arginine 92 with histidine.
Molecular consequence: missense variant.
Genome position (GRCh38, 1-based): chr1:15,716,814, G>A. VCF-style: chr1-15716814-G-A. GRCh37 (hg19) VCF-style: chr1-16043309-G-A.
Other names: c.275G>A, p.Arg92His (NM_001410755.1); short protein forms R92H.
Identifiers: ClinVar variation 2156893 (VCV002156893.4), dbSNP rs781052630, ClinGen allele CA338578874.